The following is an entry in ClinVar:

ClinVar aggregate classification (germline): Uncertain significance (1 of 4 stars; one submission).

Conditions:
Familial adenomatous polyposis 1 (FAP1). Also called: POLYPOSIS, ADENOMATOUS INTESTINAL; FAMILIAL ADENOMATOUS POLYPOSIS 1, ATTENUATED. Identifiers: MedGen C2713442, MONDO:0021056, OMIM 175100. Disease mechanism: loss of function.

Submission:

Labcorp Genetics (formerly Invitae), Labcorp
Classification: Uncertain significance for Familial adenomatous polyposis 1. Last evaluated: 2025-06-24. Review status: criteria provided, single submitter. Criteria: Invitae Variant Classification Sherloc (09022015). Collection method: clinical testing. Allele origin: germline.
Comment: This sequence change replaces proline, which is neutral and non-polar, with threonine, which is neutral and polar, at codon 1853 of the APC protein (p.Pro1853Thr). This variant is not present in population databases (gnomAD no frequency). This variant has not been reported in the literature in individuals affected with APC-related conditions. Invitae Evidence Modeling of protein sequence and biophysical properties (such as structural, functional, and spatial information, amino acid conservation, physicochemical variation, residue mobility, and thermodynamic stability) indicates that this missense variant is not expected to disrupt APC protein function with a negative predictive value of 95%. In summary, the available evidence is currently insufficient to determine the role of this variant in disease. Therefore, it has been classified as a Variant of Uncertain Significance.

NM_000038.6(APC):c.5557C>A (p.Pro1853Thr)

Gene: APC (APC regulator of Wnt signaling pathway; plus strand). Cytogenetic location: 5q22.2.
Variant type: single nucleotide variant.
Coding change: c.5557C>A on transcript NM_000038.6 (MANE Select); coding-DNA position 5557, C replaced by A.
Protein change: p.Pro1853Thr; replaces proline 1853 with threonine.
Molecular consequence: missense variant. On other transcripts: non-coding transcript variant (2).
Genome position (GRCh38, 1-based): chr5:112,841,151, C>A. VCF-style: chr5-112841151-C-A. GRCh37 (hg19) VCF-style: chr5-112176848-C-A.
Other names: c.5482C>A, p.Pro1828Thr (NM_001354898.2); c.5473C>A, p.Pro1825Thr (NM_001354899.2); c.5434C>A, p.Pro1812Thr (NM_001354900.2); c.5380C>A, p.Pro1794Thr (NM_001354901.2, NM_001407453.1); c.5284C>A, p.Pro1762Thr (NM_001354902.2); c.5254C>A, p.Pro1752Thr (NM_001354903.2, NM_001407458.1, NM_001407459.1 and 1 more transcripts); c.5179C>A, p.Pro1727Thr (NM_001354904.2); c.5077C>A, p.Pro1693Thr (NM_001354905.2); and 11 more; short protein forms P1724T, P1727T, P1794T, P1828T, P1843T, P1881T, P1770T, P1871T.
Identifiers: ClinVar variation 4739470 (VCV004739470.1).